The following is an entry in ClinVar:

NM_001003722.2(GLE1):c.1372C>T (p.Gln458Ter)

Genes: GLE1 (GLE1 RNA export mediator; plus strand), LOC101929270 (uncharacterized LOC101929270; minus strand). Cytogenetic location: 9q34.11.
Variant type: single nucleotide variant.
Coding change: c.1372C>T on transcript NM_001003722.2 (MANE Select); coding-DNA position 1372, C replaced by T.
Protein change: p.Gln458Ter; replaces glutamine 458 with a stop codon.
Molecular consequence: nonsense.
Genome position (GRCh38, 1-based): chr9:128,533,572, C>T. VCF-style: chr9-128533572-C-T. GRCh37 (hg19) VCF-style: chr9-131295851-C-T.
Other names: c.1372C>T, p.Gln458Ter (NM_001499.2); c.1372C>T (NM_001003722.1); short protein forms Q458*.
Identifiers: ClinVar variation 1444354 (VCV001444354.7), dbSNP rs2132508137, ClinGen allele CA375043966.
Genomic context (GRCh38, chr9:128,533,572, plus strand): 5'-GGCTCAAAACTGAAGGAGATCTTTGACAAGATCCACAGCCTGCTCTCTGGAAAACCTGTT[C>T]AATCTGGTGGGCGCTCTGTGTCTGTCACACTTAACCCACAGGGGCTGGACTTTGTTCAAT-3'

ClinVar aggregate classification (germline): Pathogenic/Likely pathogenic. Review status: criteria provided, multiple submitters, no conflicts (2 of 4 stars). 2 submissions from 2 submitters: Pathogenic (1); Likely pathogenic (1). Last evaluated 2024-12-02.

Conditions:
Lethal congenital contractural syndrome Finnish type.

Submissions (2):

Natera, Inc.
Classification: Likely pathogenic for Lethal congenital contractural syndrome Finnish type. Last evaluated: 2024-12-02. Review status: criteria provided, single submitter. Criteria: Natera Variant Classification Schema (03/2026). Collection method: clinical testing. Allele origin: germline.
Comment: The c.1372C>T variant in GLE1 is a nonsense variant predicted to introduce a stop codon at amino acid 458. This variant is expected to result in nonsense mediated decay, truncation, or a dysfunctional protein product. This variant is rare in the general population with a frequency below the threshold expected for the associated phenotype(s). Given the available evidence, this variant is classified as Likely Pathogenic.

Labcorp Genetics (formerly Invitae), Labcorp
Classification: Pathogenic. Last evaluated: 2021-11-09. Review status: criteria provided, single submitter. Criteria: Invitae Variant Classification Sherloc (09022015). Collection method: clinical testing. Allele origin: germline.
Comment: This variant has not been reported in the literature in individuals affected with GLE1-related conditions. This variant is not present in population databases (gnomAD no frequency). This sequence change creates a premature translational stop signal (p.Gln458*) in the GLE1 gene. It is expected to result in an absent or disrupted protein product. Loss-of-function variants in GLE1 are known to be pathogenic (PMID: 18204449, 24243016, 27684565). For these reasons, this variant has been classified as Pathogenic.

Literature cited by the submitters: PubMed 18204449 (cited by Labcorp Genetics (formerly Invitae), Labcorp); PubMed 24243016 (cited by Labcorp Genetics (formerly Invitae), Labcorp); PubMed 27684565 (cited by Labcorp Genetics (formerly Invitae), Labcorp).